The following is an entry in ClinVar:

ClinVar aggregate classification (germline): Uncertain significance. Review status: criteria provided, multiple submitters, no conflicts (2 of 4 stars). 2 submissions from 2 submitters: Uncertain significance (2). Last evaluated 2025-02-11.

Conditions:
Hereditary cancer-predisposing syndrome. Also called: Hereditary neoplastic syndrome; Neoplastic Syndromes, Hereditary; Hereditary Cancer Syndrome; Tumor predisposition. Identifiers: Orphanet 140162, MedGen C0027672, MeSH D009386, MONDO:0015356.

Submissions (2):

Ambry Genetics
Classification: Uncertain significance for Hereditary cancer-predisposing syndrome. Last evaluated: 2025-02-11. Review status: criteria provided, single submitter. Criteria: Ambry Variant Classification Scheme 2023. Collection method: clinical testing. Allele origin: germline.
Comment: The p.N446K variant (also known as c.1338C>G), located in coding exon 9 of the FH gene, results from a C to G substitution at nucleotide position 1338. The asparagine at codon 446 is replaced by lysine, an amino acid with similar properties. This amino acid position is not well conserved in available vertebrate species. In addition, the in silico prediction for this alteration is inconclusive. Since supporting evidence is limited at this time, the clinical significance of this alteration remains unclear.

Labcorp Genetics (formerly Invitae), Labcorp
Classification: Uncertain significance. Last evaluated: 2024-12-28. Review status: criteria provided, single submitter. Criteria: Invitae Variant Classification Sherloc (09022015). Collection method: clinical testing. Allele origin: germline.
Comment: This sequence change replaces asparagine, which is neutral and polar, with lysine, which is basic and polar, at codon 446 of the FH protein (p.Asn446Lys). This variant is not present in population databases (gnomAD no frequency). This variant has not been reported in the literature in individuals affected with FH-related conditions. ClinVar contains an entry for this variant (Variation ID: 1484341). Invitae Evidence Modeling of protein sequence and biophysical properties (such as structural, functional, and spatial information, amino acid conservation, physicochemical variation, residue mobility, and thermodynamic stability) indicates that this missense variant is not expected to disrupt FH protein function with a negative predictive value of 95%. In summary, the available evidence is currently insufficient to determine the role of this variant in disease. Therefore, it has been classified as a Variant of Uncertain Significance.

NM_000143.4(FH):c.1338C>G (p.Asn446Lys)

Gene: FH (fumarate hydratase; minus strand). Cytogenetic location: 1q43.
Variant type: single nucleotide variant.
Coding change: c.1338C>G on transcript NM_000143.4 (MANE Select); coding-DNA position 1338, C replaced by G.
Protein change: p.Asn446Lys; replaces asparagine 446 with lysine.
Molecular consequence: missense variant.
Genome position (GRCh38, 1-based): chr1:241,500,489, G>C on the plus strand (C>G on the coding strand, the complement: FH is on the minus strand). VCF-style: chr1-241500489-G-C. GRCh37 (hg19) VCF-style: chr1-241663789-G-C.
Other names: short protein forms N446K.
Identifiers: ClinVar variation 1484341 (VCV001484341.9), dbSNP rs113572177, ClinGen allele CA345436510.